The following is an entry in ClinVar:

ClinVar aggregate classification (germline): Uncertain significance. Review status: criteria provided, multiple submitters, no conflicts (2 of 4 stars). 13 submissions from 12 submitters: Uncertain significance (12). 1 of the submissions does not count toward it. Last evaluated 2025-05-23.

Conditions:
Dilated cardiomyopathy 1L (CMD1L). Identifiers: Orphanet 154, MedGen C1847667, MONDO:0011702, OMIM 606685.
Autosomal recessive limb-girdle muscular dystrophy type 2F (LGMDR6). Also called: MUSCULAR DYSTROPHY, LIMB-GIRDLE, AUTOSOMAL RECESSIVE 6; Muscular dystrophy limb-girdle with delta-sarcoglyan deficiency. Identifiers: Orphanet 219, MedGen C1832525, MONDO:0011028, OMIM 601287. Disease mechanism: Affects gamma-sarcoglycan and also disrupts the integrity of the entire sarcoglycan complex..

Allele frequency attached by ClinVar (database versions not stated): gnomAD exomes 0.00006 and 0.00012; ExAC 0.00009; TOPMed 0.00017; gnomAD 0.00020.
gnomAD v4.1: 114 of 1,611,030 alleles (0.0071%); highest among the groups gnomAD compares: Admixed American, 0.089%; no homozygotes.

Submissions (13):

Women's Health and Genetics/Laboratory Corporation of America, LabCorp
Classification: Uncertain significance. Last evaluated: 2025-05-23. Review status: criteria provided, single submitter. Criteria: LabCorp Variant Classification Summary - May 2015. Collection method: clinical testing. Allele origin: germline.
Comment: Variant summary: SGCD c.494G>A (p.Arg165Gln) results in a conservative amino acid change in the encoded protein sequence. Algorithms developed to predict the effect of missense changes on protein structure and function are either unavailable or do not agree on the potential impact of this missense change. The variant allele was found at a frequency of 0.00012 in 245496 control chromosomes, predominantly at a frequency of 0.00065 within the Latino subpopulation in the gnomAD database. This frequency is not significantly higher than estimated for a pathogenic variant in SGCD causing Limb-Girdle Muscular Dystrophy, Autosomal Recessive (0.00012 vs 0.00072), allowing no conclusion about variant significance. To our knowledge, no occurrence of c.494G>A in individuals affected with Limb-Girdle Muscular Dystrophy, Autosomal Recessive and no experimental evidence demonstrating its impact on protein function have been reported. ClinVar contains an entry for this variant (Variation ID: 165234). Based on the evidence outlined above, the variant was classified as uncertain significance.

Blueprint Genetics
Classification: Uncertain significance. Last evaluated: 2024-10-15. Review status: criteria provided, single submitter. Criteria: ACMG Guidelines, 2015. Collection method: clinical testing. Allele origin: germline.

GeneDx
Classification: Uncertain significance. Last evaluated: 2024-05-01. Review status: criteria provided, single submitter. Criteria: GeneDx Variant Classification Process June 2021. Collection method: clinical testing. Allele origin: germline. Affected: yes.
Comment: Reported as a maternally inherited variant in siblings with gastroschisis (PMID: 32163230); In silico analysis supports that this missense variant has a deleterious effect on protein structure/function; This variant is associated with the following publications: (PMID: 23861362, 32163230)

Genome-Nilou Lab
Classification: Uncertain significance for Autosomal recessive limb-girdle muscular dystrophy type 2F. Last evaluated: 2023-02-08. Review status: criteria provided, single submitter. Criteria: ACMG Guidelines, 2015. Collection method: clinical testing. Allele origin: germline.

Genome-Nilou Lab
Classification: Uncertain significance for Dilated cardiomyopathy 1L. Last evaluated: 2023-02-08. Review status: criteria provided, single submitter. Criteria: ACMG Guidelines, 2015. Collection method: clinical testing. Allele origin: germline.

Labcorp Genetics (formerly Invitae), Labcorp
Classification: Uncertain significance for Autosomal recessive limb-girdle muscular dystrophy type 2F. Last evaluated: 2022-10-13. Review status: criteria provided, single submitter. Criteria: Invitae Variant Classification Sherloc (09022015). Collection method: clinical testing. Allele origin: germline.
Comment: This sequence change replaces arginine, which is basic and polar, with glutamine, which is neutral and polar, at codon 165 of the SGCD protein (p.Arg165Gln). The frequency data for this variant in the population databases is considered unreliable, as metrics indicate poor data quality at this position in the gnomAD database. This variant has not been reported in the literature in individuals affected with SGCD-related conditions. ClinVar contains an entry for this variant (Variation ID: 165234). Advanced modeling of protein sequence and biophysical properties (such as structural, functional, and spatial information, amino acid conservation, physicochemical variation, residue mobility, and thermodynamic stability) performed at Invitae indicates that this missense variant is not expected to disrupt SGCD protein function. In summary, the available evidence is currently insufficient to determine the role of this variant in disease. Therefore, it has been classified as a Variant of Uncertain Significance.

Clinical Genomics Laboratory, Stanford Medicine
Classification: Uncertain significance for Dilated cardiomyopathy 1L; Autosomal recessive limb-girdle muscular dystrophy type 2F. Last evaluated: 2022-01-25. Review status: criteria provided, single submitter. Criteria: ACMG Guidelines, 2015. Collection method: clinical testing. Allele origin: germline. Observed: 1 variant allele, 1 heterozygote.
Comment: The p.Arg165Gln variant in the SGCD gene has not been previously reported in association with disease. This variant has been identified in 22/34,828 Latino/Admixed chromosomes by the Genome Aggregation Database. This allele frequency is greater than would be expected for SGCD-associated diseases. Computational tools predict that this variant is deleterious; however, the accuracy of in silico algorithms is limited. These data were assessed using the ACMG/AMP variant interpretation guidelines. In summary, the significance of the p.Arg165Gln variant is uncertain. Additional information is needed to resolve the significance of this variant. [ACMG evidence codes used: PP3; BS1_supporting]

Fulgent Genetics
Classification: Uncertain significance for Autosomal recessive limb-girdle muscular dystrophy type 2F; Dilated cardiomyopathy 1L. Last evaluated: 2021-08-03. Review status: criteria provided, single submitter. Criteria: ACMG Guidelines, 2015. Collection method: clinical testing. Allele origin: unknown.

Eurofins Ntd Llc (ga)
Classification: Uncertain significance. Last evaluated: 2016-06-01. Review status: criteria provided, single submitter. Criteria: EGL Classification Definitions 2015. Collection method: clinical testing. Allele origin: germline. Observed: 1 variant allele, 1 heterozygote.

Molecular Diagnostic Laboratory for Inherited Cardiovascular Disease, Montreal Heart Institute
Classification: Uncertain significance. Last evaluated: 2016-05-31. Review status: criteria provided, single submitter. Criteria: ACMG Guidelines, 2015. Collection method: clinical testing. Allele origin: germline. Affected: yes.

Laboratory for Molecular Medicine, Mass General Brigham Personalized Medicine
Classification: Uncertain significance. Last evaluated: 2013-10-18. Review status: criteria provided, single submitter. Criteria: LMM Criteria. Collection method: clinical testing. Allele origin: germline. Observed: 2 variant alleles.
Comment: The Arg165Gln variant in SGCD has not been previously reported in individuals wi th cardiomyopathy or in large European American or African American cohorts. Com putational analyses (biochemical amino acid properties, conservation, AlignGVGD, PolyPhen2, and SIFT) do not provide strong support for or against an impact to the protein. Additional information is needed to fully assess the clinical signi ficance of the Arg165Gln variant.

Biesecker Lab/Clinical Genomics Section, National Institutes of Health
Classification: Uncertain significance. Last evaluated: 2013-06-24. Review status: criteria provided, single submitter. Criteria: Ng et al. (Circ Cardiovasc Genet. 2013). Collection method: research. Allele origin: unknown. Observed: 1 variant allele. Study: ClinSeq.
Comment: The study set was not selected for affection status in relation to any cancer. Pathogenicity categories were based on literature curation. See Pubmed ID:23861362 for details.

Medical sequencing

Counsyl
Classification: Uncertain significance for Dilated cardiomyopathy 1L; Autosomal recessive limb-girdle muscular dystrophy type 2F. Last evaluated: 2017-02-15. Review status: no assertion criteria provided. Collection method: clinical testing. Allele origin: unknown. Not counted in ClinVar's aggregate classification.

NM_000337.6(SGCD):c.494G>A (p.Arg165Gln)

Gene: SGCD (sarcoglycan delta; plus strand). Cytogenetic location: 5q33.3.
Variant type: single nucleotide variant.
Coding change: c.494G>A on transcript NM_000337.6 (MANE Select); coding-DNA position 494, G replaced by A.
Protein change: p.Arg165Gln; replaces arginine 165 with glutamine.
Molecular consequence: missense variant.
Genome position (GRCh38, 1-based): chr5:156,595,043, G>A. VCF-style: chr5-156595043-G-A. GRCh37 (hg19) VCF-style: chr5-156022053-G-A.
Other names: c.491G>A, p.Arg164Gln (NM_001128209.2); c.494G>A, p.Arg165Gln (NM_172244.3); short protein forms R165Q, R164Q.
Identifiers: ClinVar variation 165234 (VCV000165234.27), dbSNP rs727503423, ClinGen allele CA177977.
Genomic context (GRCh38, chr5:156,595,043, plus strand): 5'-CTGGAAAATTGCTCTTCTCTGCAGACAATAATGAAGTGGTAGTAGGAGCTGAAAGATTAC[G>A]AGTTTTAGGTAAGGAAACTTGAATCATTTAACTTGTTTGATGCTACTGTGTACATTTTAG-3'
Protein context (NP_000328.2, residues 155-175): NEVVVGAERL[Arg165Gln]VLGAEGTVFP